The following is an entry in ClinVar:

NM_005228.5(EGFR):c.844G>A (p.Glu282Lys)

Gene: EGFR (epidermal growth factor receptor; plus strand). Cytogenetic location: 7p11.2.
Variant type: single nucleotide variant.
Coding change: c.844G>A on transcript NM_005228.5 (MANE Select); coding-DNA position 844, G replaced by A.
Protein change: p.Glu282Lys; replaces glutamic acid 282 with lysine.
Molecular consequence: missense variant. On other transcripts: intron variant (1).
Genome position (GRCh38, 1-based): chr7:55,154,107, G>A. VCF-style: chr7-55154107-G-A. GRCh37 (hg19) VCF-style: chr7-55221800-G-A.
Other names: c.709G>A, p.Glu237Lys (NM_001346897.2, NM_001346899.2); c.844G>A, p.Glu282Lys (NM_001346898.2, NM_201282.2, NM_201283.2 and 1 more transcripts); c.685G>A, p.Glu229Lys (NM_001346900.2); c.89-1723G>A (NM_001346941.2); c.844G>A (NM_005228.4); short protein forms E229K, E237K, E282K.
Identifiers: ClinVar variation 1050096 (VCV001050096.22), dbSNP rs199796955, ClinGen allele CA4265373.

ClinVar aggregate classification (germline): Conflicting classifications of pathogenicity. Review status: criteria provided, conflicting classifications (1 of 4 stars). 7 submissions from 7 submitters: Uncertain significance (1); Benign (1); Likely benign (3). 2 of the submissions do not count toward it. Last evaluated 2026-01-26.

Conditions:
EGFR-related disorder. Also called: EGFR-related condition.
Hereditary cancer-predisposing syndrome. Also called: Tumor predisposition; Hereditary neoplastic syndrome; Neoplastic Syndromes, Hereditary; Hereditary Cancer Syndrome. Identifiers: Orphanet 140162, MedGen C0027672, MeSH D009386, MONDO:0015356.
EGFR-related lung cancer (EGFR). Identifiers: MedGen CN130014.

Allele frequency attached by ClinVar (database versions not stated): gnomAD exomes 0.00018 and 0.00032; gnomAD 0.00020 and 0.00022; TOPMed 0.00020; ExAC 0.00030; ESP Exome Variant Server 0.00031.
gnomAD v4.1: 330 of 1,614,056 alleles (0.02%); highest among the groups gnomAD compares: East Asian, 0.0089%; 3 homozygotes.

Submissions (7):

Labcorp Genetics (formerly Invitae), Labcorp
Classification: Benign for EGFR-related lung cancer. Last evaluated: 2026-01-26. Review status: criteria provided, single submitter. Criteria: Invitae Variant Classification Sherloc (09022015). Collection method: clinical testing. Allele origin: germline.

CeGaT Center for Human Genetics Tuebingen
Classification: Likely benign. Last evaluated: 2025-11-01. Review status: criteria provided, single submitter. Criteria: CeGaT Center For Human Genetics Tuebingen Variant Classification Criteria Version 2. Collection method: clinical testing. Allele origin: germline. Affected: yes. Observed: 1 variant allele.
Comment: EGFR: BP4, BS2

Ambry Genetics
Classification: Uncertain significance for Hereditary cancer-predisposing syndrome. Last evaluated: 2025-09-04. Review status: criteria provided, single submitter. Criteria: Ambry Variant Classification Scheme 2023. Collection method: clinical testing. Allele origin: germline.
Comment: The p.E282K variant (also known as c.844G>A), located in coding exon 7 of the EGFR gene, results from a G to A substitution at nucleotide position 844. The glutamic acid at codon 282 is replaced by lysine, an amino acid with similar properties. This amino acid position is not well conserved in available vertebrate species. In addition, this alteration is predicted to be tolerated by in silico analysis. Based on the available evidence, the clinical significance of this variant remains unclear.

Blueprint Genetics
Classification: Likely benign. Last evaluated: 2024-09-19. Review status: criteria provided, single submitter. Criteria: ACMG Guidelines, 2015. Collection method: clinical testing. Allele origin: germline.

Sema4
Classification: Likely benign for Hereditary cancer-predisposing syndrome. Last evaluated: 2021-01-23. Review status: criteria provided, single submitter. Criteria: Sema4 Curation Guidelines. Collection method: curation. Allele origin: germline.

PreventionGenetics, part of Exact Sciences
Classification: Likely benign for EGFR-related condition. Last evaluated: 2019-11-22. Review status: no assertion criteria provided. Collection method: clinical testing. Allele origin: germline. Not counted in ClinVar's aggregate classification.
Comment: This variant is classified as likely benign based on ACMG/AMP sequence variant interpretation guidelines (Richards et al. 2015 PMID: 25741868, with internal and published modifications).

Department of Pathology and Laboratory Medicine, Sinai Health System
Classification: Uncertain significance. Review status: no assertion criteria provided. Collection method: clinical testing. Allele origin: unknown. Affected: yes. Study: The Canadian Open Genetics Repository (COGR). Not counted in ClinVar's aggregate classification.
Comment: The EGFR p.Glu282Lys variant was not identified in the literature nor was it identified in ClinVar or LOVD 3.0. The variant was identified in dbSNP (ID: rs199796955) and Cosmic (FATHMM prediction: pathogenic; score=0.82). The variant was identified in control databases in 87 of 282870 chromosomes at a frequency of 0.000308 (Genome Aggregation Database Feb 27, 2017). The variant was observed in the following populations: Ashkenazi Jewish in 58 of 10370 chromosomes (freq: 0.005593), European (Finnish) in 11 of 25122 chromosomes (freq: 0.000438), Other in 2 of 7224 chromosomes (freq: 0.000277), European (non-Finnish) in 13 of 129182 chromosomes (freq: 0.000101), Latino in 2 of 35438 chromosomes (freq: 0.000056) and African in 1 of 24966 chromosomes (freq: 0.00004), but was not observed in the East Asian or South Asian populations. The p.Glu282 residue is conserved in mammals but not in more distantly related organisms however computational analyses (PolyPhen-2, SIFT, AlignGVGD, BLOSUM, MutationTaster) do not suggest a high likelihood of impact to the protein; this information is not predictive enough to rule out pathogenicity. The variant occurs outside of the splicing consensus sequence and in silico or computational prediction software programs (SpliceSiteFinder, MaxEntScan, NNSPLICE, GeneSplicer) do not predict a difference in splicing. In summary, based on the above information the clinical significance of this variant cannot be determined with certainty at this time. This variant is classified as a variant of uncertain significance.